The following is an entry in ClinVar:

NM_000540.3(RYR1):c.13814G>C (p.Gly4605Ala)

Gene: RYR1 (ryanodine receptor 1; plus strand). Cytogenetic location: 19q13.2.
Variant type: single nucleotide variant.
Coding change: c.13814G>C on transcript NM_000540.3 (MANE Select); coding-DNA position 13814, G replaced by C.
Protein change: p.Gly4605Ala; replaces glycine 4605 with alanine.
Molecular consequence: missense variant.
Genome position (GRCh38, 1-based): chr19:38,572,086, G>C. VCF-style: chr19-38572086-G-C. GRCh37 (hg19) VCF-style: chr19-39062726-G-C.
Other names: c.13799G>C, p.Gly4600Ala (NM_001042723.2); short protein forms G4605A, G4600A.
Identifiers: ClinVar variation 641463 (VCV000641463.7), dbSNP rs1177853101, ClinGen allele CA405680452.

ClinVar aggregate classification (germline): Uncertain significance. Review status: criteria provided, multiple submitters, no conflicts (2 of 4 stars). 2 submissions from 2 submitters: Uncertain significance (2). Last evaluated 2024-10-29.

Conditions:
Inborn genetic diseases. Identifiers: MedGen C0950123, MeSH D030342.
RYR1-related disorder. Also called: RYR1-related disorders; RYR1-related condition. Identifiers: MedGen CN239331.

Allele frequency attached by ClinVar (database versions not stated): gnomAD exomes below 0.00001; TOPMed 0.00001.
gnomAD v4.1: 2 of 1,614,204 alleles (0.00012%); highest among the groups gnomAD compares: Admixed American, 0.0017%; no homozygotes.

Submissions (2):

Ambry Genetics
Classification: Uncertain significance for Inborn genetic diseases. Last evaluated: 2024-10-29. Review status: criteria provided, single submitter. Criteria: Ambry Variant Classification Scheme 2023. Collection method: clinical testing. Allele origin: germline.

Labcorp Genetics (formerly Invitae), Labcorp
Classification: Uncertain significance for RYR1-related disorder. Last evaluated: 2021-08-26. Review status: criteria provided, single submitter. Criteria: Invitae Variant Classification Sherloc (09022015). Collection method: clinical testing. Allele origin: germline.
Comment: This sequence change replaces glycine with alanine at codon 4605 of the RYR1 protein (p.Gly4605Ala). The glycine residue is moderately conserved and there is a small physicochemical difference between glycine and alanine. This variant is not present in population databases (ExAC no frequency). This variant has not been reported in the literature in individuals affected with RYR1-related conditions. Algorithms developed to predict the effect of missense changes on protein structure and function are either unavailable or do not agree on the potential impact of this missense change (SIFT: "Deleterious"; PolyPhen-2: "Not Available"; Align-GVGD: "Class C0"). In summary, the available evidence is currently insufficient to determine the role of this variant in disease. Therefore, it has been classified as a Variant of Uncertain Significance.